The following is an entry in ClinVar:

ClinVar aggregate classification (germline): Uncertain significance (1 of 4 stars; one submission).

Conditions:
Primary ciliary dyskinesia. Also called: Ciliary dyskinesia. Identifiers: Orphanet 244, MedGen C0008780, MONDO:0016575, HP:0012265.

Allele frequency attached by ClinVar (database versions not stated): TOPMed below 0.00001; gnomAD 0.00003.
gnomAD v4.1: 6 of 1,208,996 alleles (0.0005%); highest among the groups gnomAD compares: African/African-American, 0.0035%; no homozygotes.

Submission:

Ambry Genetics
Classification: Uncertain significance for Primary ciliary dyskinesia. Last evaluated: 2017-07-10. Review status: criteria provided, single submitter. Criteria: Ambry Variant Classification Scheme 2023. Collection method: clinical testing. Allele origin: germline.
Comment: The p.P785L variant (also known as c.2354C>T), located in coding exon 17 of the OFD1 gene, results from a C to T substitution at nucleotide position 2354. The proline at codon 785 is replaced by leucine, an amino acid with similar properties. This amino acid position is poorly conserved in available vertebrate species, and leucine is the reference amino acid in other vertebrate species. In addition, this alteration is predicted to be tolerated by in silico analysis. Since supporting evidence is limited at this time, the clinical significance of this alteration remains unclear.

NM_003611.3(OFD1):c.2354C>T (p.Pro785Leu)

Gene: OFD1 (OFD1 centriole and centriolar satellite protein; plus strand). Cytogenetic location: Xp22.2.
Variant type: single nucleotide variant.
Coding change: c.2354C>T on transcript NM_003611.3 (MANE Select); coding-DNA position 2354, C replaced by T.
Protein change: p.Pro785Leu; replaces proline 785 with leucine.
Molecular consequence: missense variant.
Genome position (GRCh38, 1-based): chrX:13,761,178, C>T. VCF-style: chrX-13761178-C-T. GRCh37 (hg19) VCF-style: chrX-13779297-C-T.
Other names: c.2234C>T, p.Pro745Leu (NM_001330209.2); c.1934C>T, p.Pro645Leu (NM_001330210.2); short protein forms P745L, P785L, P645L.
Identifiers: ClinVar variation 1790054 (VCV001790054.2), dbSNP rs1292383878, ClinGen allele CA412345071.